The following is an entry in ClinVar:

ClinVar aggregate classification (germline): Uncertain significance (1 of 4 stars; one submission).

Allele frequency attached by ClinVar (database versions not stated): gnomAD exomes below 0.00001.
gnomAD v4.1: 1 of 1,613,972 alleles (0.000062%); highest among the groups gnomAD compares: South Asian, 0.0011%; no homozygotes.

Submission:

Labcorp Genetics (formerly Invitae), Labcorp
Classification: Uncertain significance. Last evaluated: 2019-11-07. Review status: criteria provided, single submitter. Criteria: Invitae Variant Classification Sherloc (09022015). Collection method: clinical testing. Allele origin: germline.
Comment: This variant is not present in population databases (ExAC no frequency). This sequence change replaces proline with threonine at codon 620 of the TTLL5 protein (p.Pro620Thr). The proline residue is moderately conserved and there is a small physicochemical difference between proline and threonine. This variant has not been reported in the literature in individuals with TTLL5-related conditions. Algorithms developed to predict the effect of missense changes on protein structure and function are either unavailable or do not agree on the potential impact of this missense change (SIFT: "Deleterious"; PolyPhen-2: "Benign"; Align-GVGD: "Class C0"). In summary, the available evidence is currently insufficient to determine the role of this variant in disease. Therefore, it has been classified as a Variant of Uncertain Significance.

NM_015072.5(TTLL5):c.1858C>A (p.Pro620Thr)

Gene: TTLL5 (tubulin tyrosine ligase like 5; plus strand). Cytogenetic location: 14q24.3.
Variant type: single nucleotide variant.
Coding change: c.1858C>A on transcript NM_015072.5 (MANE Select); coding-DNA position 1858, C replaced by A.
Protein change: p.Pro620Thr; replaces proline 620 with threonine.
Molecular consequence: missense variant.
Genome position (GRCh38, 1-based): chr14:75,766,211, C>A. VCF-style: chr14-75766211-C-A. GRCh37 (hg19) VCF-style: chr14-76232554-C-A.
Other names: short protein forms P620T.
Identifiers: ClinVar variation 967870 (VCV000967870.9), dbSNP rs1313446228, ClinGen allele CA390467367.